The following is an entry in ClinVar:

ClinVar aggregate classification (germline): Likely benign. Review status: criteria provided, multiple submitters, no conflicts (2 of 4 stars). 2 submissions from 2 submitters: Likely benign (2). Last evaluated 2023-03-23.

Conditions:
Hypokalemic periodic paralysis, type 1. Also called: HypoPP; Hypokalemic Periodic Paralysis Type 1 (AD). Identifiers: Orphanet 681, MedGen C3714580, MONDO:0042979, OMIM 170400.
Malignant hyperthermia, susceptibility to, 5 (MHS5). Also called: CACNA1S-Related Malignant Hyperthermia Susceptibility. Identifiers: Orphanet 423, MedGen C1866077, MONDO:0011163, OMIM 601887.

gnomAD v4.1: 4 of 1,601,506 alleles (0.00025%); highest among the groups gnomAD compares: Admixed American, 0.0067%; no homozygotes.

Submissions (2):

All of Us Research Program, National Institutes of Health
Classification: Likely benign for Malignant hyperthermia, susceptibility to, 5. Last evaluated: 2023-03-23. Review status: criteria provided, single submitter. Criteria: ACMG Guidelines, 2015. Collection method: clinical testing. Allele origin: germline. Inheritance: Autosomal dominant inheritance. Observed: 1 variant allele, 1 heterozygote.
Comment: This study involves interpretation of variants in research participants for the purpose of population health screening. Participant phenotype was not available at the time of variant classification. Additional details can be found in publication PMID: 35346344, PMCID: PMC8962531

Labcorp Genetics (formerly Invitae), Labcorp
Classification: Likely benign for Hypokalemic periodic paralysis, type 1; Malignant hyperthermia, susceptibility to, 5. Last evaluated: 2022-08-16. Review status: criteria provided, single submitter. Criteria: Invitae Variant Classification Sherloc (09022015). Collection method: clinical testing. Allele origin: germline.

NM_000069.3(CACNA1S):c.2746-4C>T

Gene: CACNA1S (calcium voltage-gated channel subunit alpha1 S; minus strand). Cytogenetic location: 1q32.1.
Variant type: single nucleotide variant.
Coding change: c.2746-4C>T on transcript NM_000069.3 (MANE Select); 4 bases into the intron before coding-DNA position 2746, C replaced by T.
Molecular consequence: intron variant.
Genome position (GRCh38, 1-based): chr1:201,065,949, G>A on the plus strand (C>T on the coding strand, the complement: CACNA1S is on the minus strand). VCF-style: chr1-201065949-G-A. GRCh37 (hg19) VCF-style: chr1-201035077-G-A.
Identifiers: ClinVar variation 759765 (VCV000759765.10), dbSNP rs750533608, ClinGen allele CA528303220.